The following is an entry in ClinVar:

NM_000038.6(APC):c.6346C>T (p.His2116Tyr)

Gene: APC (APC regulator of Wnt signaling pathway; plus strand). Cytogenetic location: 5q22.2.
Variant type: single nucleotide variant.
Coding change: c.6346C>T on transcript NM_000038.6 (MANE Select); coding-DNA position 6346, C replaced by T.
Protein change: p.His2116Tyr; replaces histidine 2116 with tyrosine.
Molecular consequence: missense variant.
Genome position (GRCh38, 1-based): chr5:112,841,940, C>T. VCF-style: chr5-112841940-C-T. GRCh37 (hg19) VCF-style: chr5-112177637-C-T.
Other names: c.6346C>T, p.His2116Tyr (NM_001127510.3, NM_001354895.2); c.6292C>T, p.His2098Tyr (NM_001127511.3); c.6400C>T, p.His2134Tyr (NM_001354896.2); c.6376C>T, p.His2126Tyr (NM_001354897.2); c.6271C>T, p.His2091Tyr (NM_001354898.2); c.6262C>T, p.His2088Tyr (NM_001354899.2); c.6223C>T, p.His2075Tyr (NM_001354900.2); c.6169C>T, p.His2057Tyr (NM_001354901.2); and 5 more; short protein forms H2098Y, H2116Y, H1833Y, H2126Y, H2015Y, H2088Y, H1956Y, H1990Y.
Identifiers: ClinVar variation 489479 (VCV000489479.8), dbSNP rs1274567443, ClinGen allele CA16035232.

ClinVar aggregate classification (germline): Uncertain significance. Review status: criteria provided, multiple submitters, no conflicts (2 of 4 stars). 2 submissions from 2 submitters: Uncertain significance (2). Last evaluated 2024-06-11.

Conditions:
Familial adenomatous polyposis 1 (FAP1). Also called: POLYPOSIS, ADENOMATOUS INTESTINAL; FAMILIAL ADENOMATOUS POLYPOSIS 1, ATTENUATED. Identifiers: MedGen C2713442, MONDO:0021056, OMIM 175100. Disease mechanism: loss of function.
Hereditary cancer-predisposing syndrome. Also called: Hereditary Cancer Syndrome; Neoplastic Syndromes, Hereditary; Tumor predisposition; Hereditary neoplastic syndrome. Identifiers: Orphanet 140162, MedGen C0027672, MeSH D009386, MONDO:0015356.

Allele frequency attached by ClinVar (database versions not stated): gnomAD exomes below 0.00001; TOPMed below 0.00001.
gnomAD v4.1: 2 of 1,613,968 alleles (0.00012%); highest among the groups gnomAD compares: South Asian, 0.0011%; no homozygotes.

Submissions (2):

Labcorp Genetics (formerly Invitae), Labcorp
Classification: Uncertain significance for Familial adenomatous polyposis 1. Last evaluated: 2024-06-11. Review status: criteria provided, single submitter. Criteria: Invitae Variant Classification Sherloc (09022015). Collection method: clinical testing. Allele origin: germline.
Comment: This sequence change replaces histidine, which is basic and polar, with tyrosine, which is neutral and polar, at codon 2116 of the APC protein (p.His2116Tyr). This variant is present in population databases (no rsID available, gnomAD 0.0009%). This variant has not been reported in the literature in individuals affected with APC-related conditions. ClinVar contains an entry for this variant (Variation ID: 489479). Advanced modeling of protein sequence and biophysical properties (such as structural, functional, and spatial information, amino acid conservation, physicochemical variation, residue mobility, and thermodynamic stability) performed at Invitae indicates that this missense variant is not expected to disrupt APC protein function with a negative predictive value of 95%. In summary, the available evidence is currently insufficient to determine the role of this variant in disease. Therefore, it has been classified as a Variant of Uncertain Significance.

Color Diagnostics, LLC DBA Color Health
Classification: Uncertain significance for Hereditary cancer-predisposing syndrome. Last evaluated: 2023-12-05. Review status: criteria provided, single submitter. Criteria: ACMG Guidelines, 2015. Collection method: clinical testing. Allele origin: germline.
Comment: This missense variant replaces histidine with tyrosine at codon 2116 of the APC protein. Computational prediction is inconclusive regarding the impact of this variant on protein structure and function (internally defined REVEL score threshold 0.5 < inconclusive < 0.7, PMID: 27666373). To our knowledge, functional studies have not been reported for this variant. This variant has not been reported in individuals affected with APC-related disorders in the literature. This variant has been identified in 1/250870 chromosomes in the general population by the Genome Aggregation Database (gnomAD). The available evidence is insufficient to determine the role of this variant in disease conclusively. Therefore, this variant is classified as a Variant of Uncertain Significance.